The following is an entry in ClinVar:

ClinVar aggregate classification (germline): Uncertain significance (1 of 4 stars; one submission).

Conditions:
Kabuki syndrome. Also called: Kabuki make-up syndrome; NIIKAWA-KUROKI SYNDROME. Identifiers: Orphanet 2322, MedGen C0796004, MONDO:0016512.

Submission:

Labcorp Genetics (formerly Invitae), Labcorp
Classification: Uncertain significance for Kabuki syndrome. Last evaluated: 2023-07-17. Review status: criteria provided, single submitter. Criteria: Invitae Variant Classification Sherloc (09022015). Collection method: clinical testing. Allele origin: germline.
Comment: This sequence change falls in intron 18 of the KMT2D gene. It does not directly change the encoded amino acid sequence of the KMT2D protein. This variant is not present in population databases (gnomAD no frequency). In summary, the available evidence is currently insufficient to determine the role of this variant in disease. Therefore, it has been classified as a Variant of Uncertain Significance. Algorithms developed to predict the effect of sequence changes on RNA splicing suggest that this variant may create or strengthen a splice site. This variant has not been reported in the literature in individuals affected with KMT2D-related conditions.

NM_003482.4(KMT2D):c.4742-5T>A

Gene: KMT2D (lysine methyltransferase 2D; minus strand). Cytogenetic location: 12q13.12.
Variant type: single nucleotide variant.
Coding change: c.4742-5T>A on transcript NM_003482.4 (MANE Select); 5 bases into the intron before coding-DNA position 4742, T replaced by A.
Molecular consequence: intron variant.
Genome position (GRCh38, 1-based): chr12:49,044,970, A>T on the plus strand (T>A on the coding strand, the complement: KMT2D is on the minus strand). VCF-style: chr12-49044970-A-T. GRCh37 (hg19) VCF-style: chr12-49438753-A-T.
Identifiers: ClinVar variation 2744427 (VCV002744427.3), dbSNP rs201912948, ClinGen allele CA2697559251.
Genomic context (GRCh38, chr12:49,044,970, plus strand): 5'-CAAGGCCATGCCAGTTTCTGTCAGCCACACACCTTCGAAGCGAAAGTACTGGGGCTCTGC[A>T]TAAGAGGAAAGAGTATGTGATCCCTGGATGGAAGCCCCAGGGAAACCAGAACTGCAAGTT-3'